The following is an entry in ClinVar:

ClinVar aggregate classification (germline): Likely benign. Review status: criteria provided, multiple submitters, no conflicts (2 of 4 stars). 10 submissions from 10 submitters: Likely benign (10). Last evaluated 2026-01-27.

Conditions:
Cardiovascular phenotype. Identifiers: MedGen CN230736.
VCL-related disorder. Also called: VCL-related condition.
Cardiomyopathy (CMYO). Also called: Cardiomyopathies. Identifiers: Orphanet 167848, MedGen C0878544, MONDO:0004994, HP:0001638. Inheritance: Various modes of inheritance.
Dilated cardiomyopathy 1W (CMD1W). Identifiers: Orphanet 154, MedGen C1969639, MONDO:0012667, OMIM 611407.

Allele frequency attached by ClinVar (database versions not stated): gnomAD 0.00013; TOPMed 0.00017; ESP Exome Variant Server 0.00031.
gnomAD v4.1: 292 of 1,614,076 alleles (0.018%); highest among the groups gnomAD compares: Admixed American, 0.05%; 1 homozygote.

Submissions (10):

Labcorp Genetics (formerly Invitae), Labcorp
Classification: Likely benign for Dilated cardiomyopathy 1W. Last evaluated: 2026-01-27. Review status: criteria provided, single submitter. Criteria: Invitae Variant Classification Sherloc (09022015). Collection method: clinical testing. Allele origin: germline.

CeGaT Center for Human Genetics Tuebingen
Classification: Likely benign. Last evaluated: 2025-08-01. Review status: criteria provided, single submitter. Criteria: CeGaT Center For Human Genetics Tuebingen Variant Classification Criteria Version 2. Collection method: clinical testing. Allele origin: germline. Affected: yes. Observed: 1 variant allele.
Comment: VCL: BP4

Molecular Diagnostic Laboratory for Inherited Cardiovascular Disease, Montreal Heart Institute
Classification: Likely benign. Last evaluated: 2025-04-08. Review status: criteria provided, single submitter. Criteria: ACMG Guidelines, 2015. Collection method: clinical testing. Allele origin: germline. Affected: no.
Comment: BS1, BS4_supp, BP4, BP6

PreventionGenetics, part of Exact Sciences
Classification: Likely benign for VCL-related condition. Last evaluated: 2025-01-27. Review status: criteria provided, single submitter. Criteria: ACMG Guidelines, 2015. Collection method: clinical testing. Allele origin: germline.
Comment: This variant is classified as likely benign based on ACMG/AMP sequence variant interpretation guidelines (Richards et al. 2015 PMID: 25741868, with internal and published modifications).

Blueprint Genetics
Classification: Likely benign. Last evaluated: 2024-09-02. Review status: criteria provided, single submitter. Criteria: ACMG Guidelines, 2015. Collection method: clinical testing. Allele origin: germline.

CHEO Genetics Diagnostic Laboratory, Children's Hospital of Eastern Ontario
Classification: Likely benign for Cardiomyopathy. Last evaluated: 2022-03-23. Review status: criteria provided, single submitter. Criteria: ACMG Guidelines, 2015. Collection method: clinical testing. Allele origin: germline.

GeneDx
Classification: Likely benign. Last evaluated: 2021-04-21. Review status: criteria provided, single submitter. Criteria: GeneDx Variant Classification Process June 2021. Collection method: clinical testing. Allele origin: germline. Affected: yes.
Comment: In silico analysis, which includes protein predictors and evolutionary conservation, supports that this variant does not alter protein structure/function; Reported in ClinVar but additional evidence is not available (ClinVar Variant ID# 192181; Landrum et al., 2016); This variant is associated with the following publications: (PMID: 23861362, 15769782, 25351510, 16236538)

ARUP Laboratories, Molecular Genetics and Genomics, ARUP Laboratories
Classification: Likely benign. Last evaluated: 2019-11-11. Review status: criteria provided, single submitter. Criteria: ARUP Molecular Germline Variant Investigation Process. Collection method: clinical testing. Allele origin: germline.

Ambry Genetics
Classification: Likely benign for Cardiovascular phenotype. Last evaluated: 2017-12-08. Review status: criteria provided, single submitter. Criteria: Ambry Variant Classification Scheme 2023. Collection method: clinical testing. Allele origin: germline.

Biesecker Lab/Clinical Genomics Section, National Institutes of Health
Classification: Likely benign. Last evaluated: 2013-06-24. Review status: criteria provided, single submitter. Criteria: Ng et al. (Circ Cardiovasc Genet. 2013). Collection method: research. Allele origin: unknown. Observed: 1 variant allele. Study: ClinSeq.
Comment: The study set was not selected for affection status in relation to any cancer. Pathogenicity categories were based on literature curation. See Pubmed ID:23861362 for details.

Medical sequencing

Literature cited by the submitters: PubMed 15769782 (cited by Ambry Genetics); PubMed 16236538 (cited by Ambry Genetics); PubMed 25351510 (cited by Ambry Genetics).

NM_014000.3(VCL):c.2827C>G (p.Pro943Ala)

Gene: VCL (vinculin; plus strand). Cytogenetic location: 10q22.2.
Variant type: single nucleotide variant.
Coding change: c.2827C>G on transcript NM_014000.3 (MANE Select); coding-DNA position 2827, C replaced by G.
Protein change: p.Pro943Ala; replaces proline 943 with alanine.
Molecular consequence: missense variant. On other transcripts: intron variant (1).
Genome position (GRCh38, 1-based): chr10:74,111,990, C>G. VCF-style: chr10-74111990-C-G. GRCh37 (hg19) VCF-style: chr10-75871748-C-G.
Other names: c.2746-2194C>G (NM_003373.4); short protein forms P943A.
Identifiers: ClinVar variation 192181 (VCV000192181.55), dbSNP rs71579375, ClinGen allele CA238536.
Genomic context (GRCh38, chr10:74,111,990, plus strand): 5'-GTGGGTATAGGTGTTGTAGCTGAGGCAGATGCGGCCGATGCTGCTGGCTTCCCTGTCCCC[C>G]CTGACATGGAAGACGATTACGAACCTGAGCTGCTGTTAATGCCATCCAATCAGCCGGTCA-3'
Protein context (NP_054706.1, residues 933-953): AADAAGFPVP[Pro943Ala]DMEDDYEPEL